The following is an entry in ClinVar:

ClinVar aggregate classification (germline): Uncertain significance (1 of 4 stars; one submission).

gnomAD v4.1: 2 of 1,613,410 alleles (0.00012%); highest among the groups gnomAD compares: Non-Finnish European, 0.00017%; no homozygotes.

Submission:

Dasa
Classification: Uncertain significance. Last evaluated: 2025-07-06. Review status: criteria provided, single submitter. Criteria: DASA Assertion Criteria. Collection method: clinical testing. Allele origin: germline.
Comment: NM_001318852.2(MAPK8IP3):c.1228+3G>A is a splice-region variant. This variant is rare in population databases. Computational prediction algorithms are consistent with a benign effect. The currently available literature and clinical evidence are not sufficient to establish a definitive association between this variant and the reported condition. Therefore, this variant is classified as a variant of uncertain significance.

NM_001318852.2(MAPK8IP3):c.1228+3G>A

Gene: MAPK8IP3 (mitogen-activated protein kinase 8 interacting protein 3; plus strand). Cytogenetic location: 16p13.3.
Variant type: single nucleotide variant.
Coding change: c.1228+3G>A on transcript NM_001318852.2 (MANE Select); 3 bases into the intron after coding-DNA position 1228, G replaced by A.
Molecular consequence: intron variant.
Genome position (GRCh38, 1-based): chr16:1,758,162, G>A. VCF-style: chr16-1758162-G-A. GRCh37 (hg19) VCF-style: chr16-1808163-G-A.
Other names: c.1225+3G>A (NM_015133.5, NM_001040439.2).
Identifiers: ClinVar variation 4880894 (VCV004880894.2).